The following is an entry in ClinVar:

ClinVar aggregate classification (germline): Uncertain significance (1 of 4 stars; one submission).

Conditions:
Bethlem myopathy 1A. Also called: MYOPATHY, BENIGN CONGENITAL, WITH CONTRACTURES; Bethlem Muscular Dystrophy; Bethlem myopathy 1. Identifiers: Orphanet 610, MedGen CN029274, MONDO:0024530, OMIM 158810.

Submission:

Labcorp Genetics (formerly Invitae), Labcorp
Classification: Uncertain significance for Bethlem myopathy 1A. Last evaluated: 2022-03-14. Review status: criteria provided, single submitter. Criteria: Invitae Variant Classification Sherloc (09022015). Collection method: clinical testing. Allele origin: germline.
Comment: In summary, the available evidence is currently insufficient to determine the role of this variant in disease. Therefore, it has been classified as a Variant of Uncertain Significance. Advanced modeling of protein sequence and biophysical properties (such as structural, functional, and spatial information, amino acid conservation, physicochemical variation, residue mobility, and thermodynamic stability) performed at Invitae indicates that this missense variant is not expected to disrupt COL6A3 protein function. This variant has not been reported in the literature in individuals affected with COL6A3-related conditions. This variant is not present in population databases (gnomAD no frequency). This sequence change replaces alanine, which is neutral and non-polar, with valine, which is neutral and non-polar, at codon 3005 of the COL6A3 protein (p.Ala3005Val).

NM_004369.4(COL6A3):c.9014C>T (p.Ala3005Val)

Gene: COL6A3 (collagen type VI alpha 3 chain; minus strand). Cytogenetic location: 2q37.3.
Variant type: single nucleotide variant.
Coding change: c.9014C>T on transcript NM_004369.4 (MANE Select); coding-DNA position 9014, C replaced by T.
Protein change: p.Ala3005Val; replaces alanine 3005 with valine.
Molecular consequence: missense variant.
Genome position (GRCh38, 1-based): chr2:237,334,841, G>A on the plus strand (C>T on the coding strand, the complement: COL6A3 is on the minus strand). VCF-style: chr2-237334841-G-A. GRCh37 (hg19) VCF-style: chr2-238243484-G-A.
Other names: c.7193C>T, p.Ala2398Val (NM_057166.5); c.8396C>T, p.Ala2799Val (NM_057167.4); short protein forms A3005V, A2398V, A2799V.
Identifiers: ClinVar variation 2046985 (VCV002046985.4), dbSNP rs2469788162, ClinGen allele CA351189268.